The following is an entry in ClinVar:

NM_014225.6(PPP2R1A):c.313C>T (p.Arg105Trp)

Gene: PPP2R1A (protein phosphatase 2 scaffold subunit Aalpha; plus strand). Cytogenetic location: 19q13.41.
Variant type: single nucleotide variant.
Coding change: c.313C>T on transcript NM_014225.6 (MANE Select); coding-DNA position 313, C replaced by T.
Protein change: p.Arg105Trp; replaces arginine 105 with tryptophan.
Molecular consequence: missense variant. On other transcripts: 5 prime UTR variant (1), non-coding transcript variant (1).
Genome position (GRCh38, 1-based): chr19:52,211,302, C>T. VCF-style: chr19-52211302-C-T. GRCh37 (hg19) VCF-style: chr19-52714555-C-T.
Other names: c.-225C>T (NM_001363656.2); short protein forms R105W.
Identifiers: ClinVar variation 2692504 (VCV002692504.1), dbSNP rs2089667447, ClinGen allele CA407182110.

ClinVar aggregate classification (germline): Uncertain significance (1 of 4 stars; one submission).

Allele frequency attached by ClinVar (database versions not stated): TOPMed 0.00001.
gnomAD v4.1: 1 of 1,613,282 alleles (0.000062%); highest among the groups gnomAD compares: Non-Finnish European, 0.000085%; no homozygotes.

Submission:

Greenwood Genetic Center Diagnostic Laboratories, Greenwood Genetic Center
Classification: Uncertain significance. Last evaluated: 2023-12-14. Review status: criteria provided, single submitter. Criteria: ACMG Guidelines, 2015. Collection method: clinical testing. Allele origin: germline. Affected: yes.
Comment: PM2, PM6